The following is an entry in ClinVar:

ClinVar aggregate classification (germline): Uncertain significance (1 of 4 stars; one submission).

Submission:

Labcorp Genetics (formerly Invitae), Labcorp
Classification: Uncertain significance. Last evaluated: 2021-12-03. Review status: criteria provided, single submitter. Criteria: Invitae Variant Classification Sherloc (09022015). Collection method: clinical testing. Allele origin: germline.
Comment: This sequence change replaces serine, which is neutral and polar, with proline, which is neutral and non-polar, at codon 8 of the PDE2A protein (p.Ser8Pro). This variant is not present in population databases (gnomAD no frequency). This variant has not been reported in the literature in individuals affected with PDE2A-related conditions. Algorithms developed to predict the effect of missense changes on protein structure and function are either unavailable or do not agree on the potential impact of this missense change (SIFT: "Deleterious"; PolyPhen-2: "Benign"; Align-GVGD: "Class C0"). In summary, the available evidence is currently insufficient to determine the role of this variant in disease. Therefore, it has been classified as a Variant of Uncertain Significance.

NM_002599.5(PDE2A):c.22T>C (p.Ser8Pro)

Gene: PDE2A (phosphodiesterase 2A; minus strand). Cytogenetic location: 11q13.4.
Variant type: single nucleotide variant.
Coding change: c.22T>C on transcript NM_002599.5 (MANE Select); coding-DNA position 22, T replaced by C.
Protein change: p.Ser8Pro; replaces serine 8 with proline.
Molecular consequence: missense variant.
Genome position (GRCh38, 1-based): chr11:72,674,186, A>G on the plus strand (T>C on the coding strand, the complement: PDE2A is on the minus strand). VCF-style: chr11-72674186-A-G. GRCh37 (hg19) VCF-style: chr11-72385230-A-G.
Other names: short protein forms S8P.
Identifiers: ClinVar variation 1503606 (VCV001503606.8), dbSNP rs2135471475, ClinGen allele CA381758274.
Genomic context (GRCh38, chr11:72,674,186, plus strand): 5'-ACTATACTCACGGCTCAGCCGGTCGCGCTGCCGGGTACTGCTGGCTCCTGCAGAGGATGG[A>G]GTGGCCGCATGCCTGCCCCATCACTCCTCATCGTCCGCCTCCCCAGCCAGACTAAGGTGG-3'
Protein context (NP_002590.1, residues 1-18): MGQACGH[Ser8Pro]ILCRSQQYPA